The following is an entry in ClinVar:

NM_002691.4(POLD1):c.577T>G (p.Cys193Gly)

Gene: POLD1 (DNA polymerase delta 1, catalytic subunit; plus strand). Cytogenetic location: 19q13.33.
Variant type: single nucleotide variant.
Coding change: c.577T>G on transcript NM_002691.4 (MANE Select); coding-DNA position 577, T replaced by G.
Protein change: p.Cys193Gly; replaces cysteine 193 with glycine.
Molecular consequence: missense variant. On other transcripts: non-coding transcript variant (1).
Genome position (GRCh38, 1-based): chr19:50,402,112, T>G. VCF-style: chr19-50402112-T-G. GRCh37 (hg19) VCF-style: chr19-50905369-T-G.
Other names: c.577T>G, p.Cys193Gly (NM_001256849.1, NM_001308632.1); short protein forms C193G.
Identifiers: ClinVar variation 2633947 (VCV002633947.1), dbSNP rs762498700, ClinGen allele CA9595801.
Genomic context (GRCh38, chr19:50,402,112, plus strand): 5'-AGCCGGGACAGTCGCGGGGGGAGGGAGCTGACTGGGCCGGCCGTGCTGGCTGTGGAACTG[T>G]GCTCCCGAGAGAGTGAGTGCTCCCCCAGGATCAGCGGGTTGGAGGGTCCCCTCGGGAGGC-3'
Protein context (NP_002682.2, residues 183-203): TGPAVLAVEL[Cys193Gly]SRESMFGYHG

ClinVar aggregate classification (germline): Uncertain significance (1 of 4 stars; one submission).

Conditions:
POLD1-related disorder. Also called: POLD1-related condition; POLD1-related disorders.

gnomAD v4.1: 1 of 1,612,530 alleles (0.000062%); highest among the groups gnomAD compares: Non-Finnish European, 0.000085%; no homozygotes.

Submission:

PreventionGenetics, part of Exact Sciences
Classification: Uncertain significance for POLD1-related condition. Last evaluated: 2023-10-03. Review status: criteria provided, single submitter. Criteria: ACMG Guidelines, 2015. Collection method: clinical testing. Allele origin: germline.
Comment: The POLD1 c.577T>G variant is predicted to result in the amino acid substitution p.Cys193Gly. To our knowledge, this variant has not been reported in the literature. This variant is reported in 0.00089% of alleles in individuals of European (Non-Finnish) descent in gnomAD. At this time, the clinical significance of this variant is uncertain due to the absence of conclusive functional and genetic evidence.